The following is an entry in ClinVar:

ClinVar aggregate classification (germline): Uncertain significance. Review status: criteria provided, multiple submitters, no conflicts (2 of 4 stars). 2 submissions from 2 submitters: Uncertain significance (2). Last evaluated 2023-12-16.

Conditions:
Hereditary cancer-predisposing syndrome. Also called: Neoplastic Syndromes, Hereditary; Hereditary Cancer Syndrome; Tumor predisposition; Hereditary neoplastic syndrome. Identifiers: Orphanet 140162, MedGen C0027672, MeSH D009386, MONDO:0015356.
Retinoblastoma (RB1). Also called: RETINOBLASTOMA, SOMATIC. Identifiers: Orphanet 790, MedGen C0035335, MeSH D012175, MONDO:0008380, OMIM 180200, HP:0009919. Disease mechanism: loss of function. Inheritance: Both sporadic and heritable forms are tested..

Submissions (2):

Ambry Genetics
Classification: Uncertain significance for Hereditary cancer-predisposing syndrome. Last evaluated: 2023-12-16. Review status: criteria provided, single submitter. Criteria: Ambry Variant Classification Scheme 2023. Collection method: clinical testing. Allele origin: germline.
Comment: The p.M825I variant (also known as c.2475G>T), located in coding exon 23 of the RB1 gene, results from a G to T substitution at nucleotide position 2475. The methionine at codon 825 is replaced by isoleucine, an amino acid with highly similar properties. This amino acid position is conserved. In addition, the in silico prediction for this alteration is inconclusive. Since supporting evidence is limited at this time, the clinical significance of this alteration remains unclear.

Labcorp Genetics (formerly Invitae), Labcorp
Classification: Uncertain significance for Retinoblastoma. Last evaluated: 2023-04-07. Review status: criteria provided, single submitter. Criteria: Invitae Variant Classification Sherloc (09022015). Collection method: clinical testing. Allele origin: germline.
Comment: In summary, the available evidence is currently insufficient to determine the role of this variant in disease. Therefore, it has been classified as a Variant of Uncertain Significance. Advanced modeling of protein sequence and biophysical properties (such as structural, functional, and spatial information, amino acid conservation, physicochemical variation, residue mobility, and thermodynamic stability) has been performed at Invitae for this missense variant, however the output from this modeling did not meet the statistical confidence thresholds required to predict the impact of this variant on RB1 protein function. This variant has not been reported in the literature in individuals affected with RB1-related conditions. This variant is not present in population databases (gnomAD no frequency). This sequence change replaces methionine, which is neutral and non-polar, with isoleucine, which is neutral and non-polar, at codon 825 of the RB1 protein (p.Met825Ile).

NM_000321.3(RB1):c.2475G>T (p.Met825Ile)

Gene: RB1 (RB transcriptional corepressor 1; plus strand). Cytogenetic location: 13q14.2.
Variant type: single nucleotide variant.
Coding change: c.2475G>T on transcript NM_000321.3 (MANE Select); coding-DNA position 2475, G replaced by T.
Protein change: p.Met825Ile; replaces methionine 825 with isoleucine.
Molecular consequence: missense variant.
Genome position (GRCh38, 1-based): chr13:48,465,354, G>T. VCF-style: chr13-48465354-G-T. GRCh37 (hg19) VCF-style: chr13-49039490-G-T.
Other names: c.2475G>T, p.Met825Ile (NM_001407165.1); short protein forms M825I.
Identifiers: ClinVar variation 2853151 (VCV002853151.4), dbSNP rs1949433927, ClinGen allele CA388168062.
Genomic context (GRCh38, chr13:48,465,354, plus strand): 5'-TATTTCACCCCTGAAGAGTCCATATAAAATTTCAGAAGGTCTGCCAACACCAACAAAAAT[G>T]ACTCCAAGATCAAGGTGTGTGTTTTCTCTTTAGGGAAGTAGTAAAGAATGAGAGGGGGAT-3'
Protein context (NP_000312.2, residues 815-835): ISEGLPTPTK[Met825Ile]TPRSRILVSI